The following is an entry in ClinVar:

NM_001060.6(TBXA2R):c.179G>T (p.Arg60Leu)

Gene: TBXA2R (thromboxane A2 receptor; minus strand). Cytogenetic location: 19p13.3.
Variant type: single nucleotide variant.
Coding change: c.179G>T on transcript NM_001060.6 (MANE Select); coding-DNA position 179, G replaced by T.
Protein change: p.Arg60Leu; replaces arginine 60 with leucine.
Molecular consequence: missense variant.
Genome position (GRCh38, 1-based): chr19:3,600,456, C>A on the plus strand (G>T on the coding strand, the complement: TBXA2R is on the minus strand). VCF-style: chr19-3600456-C-A. GRCh37 (hg19) VCF-style: chr19-3600454-C-A.
Other names: c.179G>T, p.Arg60Leu (NM_201636.3); short protein forms R60L.
Identifiers: ClinVar variation 12712 (VCV000012712.7), dbSNP rs34377097, ClinGen allele CA122640.

ClinVar aggregate classification (germline): Benign. Review status: criteria provided, single submitter (1 of 4 stars). 3 submissions from 3 submitters: Benign (1). 2 of the submissions do not count toward it. Last evaluated 2019-05-28.

Conditions:
Bleeding disorder, platelet-type, 13, susceptibility to (BDPLT13). Also called: BLEEDING DISORDER, SUSCEPTIBILITY TO, DUE TO DEFECTIVE PLATELET THROMBOXANE A2 RECEPTOR. Identifiers: MedGen C3279614, MONDO:0800447, OMIM 614009.
Asthma. Identifiers: MedGen C0004096, MONDO:0004979, HP:0002099.

Allele frequency attached by ClinVar (database versions not stated): TOPMed 0.00002; gnomAD exomes 0.00015 and 0.00006; gnomAD 0.00002 and 0.00005; ExAC 0.00007; 1000 Genomes Project 30x 0.00047; 1000 Genomes Project 0.00060.

Submissions (3):

Mendelics
Classification: Benign for Bleeding disorder, platelet-type, 13, susceptibility to. Last evaluated: 2019-05-28. Review status: criteria provided, single submitter. Criteria: Mendelics Assertion Criteria 2017. Collection method: clinical testing. Allele origin: unknown.

Allergology and Ecology Laboratory, University of Burdwan
Classification: Likely risk allele for Asthma. Last evaluated: 2022-11-04. Review status: no assertion criteria provided. Collection method: case-control. Allele origin: inherited. Inheritance: Autosomal recessive inheritance. Affected: yes. Observed: 250 variant alleles, 209 heterozygotes, 41 homozygotes. Not counted in ClinVar's aggregate classification.
Comment: STRING analysis showed that TBXA2R are involved in interaction with different known and predicted Gq proteins (guanine nucleotide-binding G protein, subunits alpha, group q). Out of all Gq proteins, GNA11 acts as an activator of phospholipase C (PLC). PLC hydrolyses phosphoinositides into the two stimulatory second messengers - inositol 1,4,5-triphosphate (IP3) and diacylglycerol. IP3 enhances cytoplasmic free calcium level and diacylglycerol (DAG) activates protein kinase C (PKC). Activated protein kinase C either directly phosphorylates LTC4 synthase enzyme and inactivates it or this regulation may involve another regulatory protein which is yet to be discovered. Inactivation of LTC4 synthase leads to reduction of Leukotriene C4 (LTC4) biosynthesis in platelets. However, in the case of risk allele rs34377097 T-bearing individuals, the non-synonymous polymorphism (R60L) in TBXA2R protein inhibits the interaction between GNA11 and TBXA2R due to the change in the positive charge potentiality at the cytoplasmic domain. This is in line with Hirata et al. 1996, who demonstrated that the R60L polymorphism significantly reduces PLC activity. That leads to simultaneous inactivation of PKC which ultimately results in LTC4 synthase enzyme activation. Activation of this enzyme leads to LTA4 to LTC4 conversion which results in acute asthmatic response including broncho-constriction, tracheolar constriction and increased mucus secretion.

OMIM
Classification: risk factor for BLEEDING DISORDER, PLATELET-TYPE, 13, SUSCEPTIBILITY TO. Last evaluated: 1996-02-15. Review status: no assertion criteria provided. Collection method: literature only. Allele origin: germline. Not counted in ClinVar's aggregate classification.

Literature cited by the submitters: DOI 10.3389/fimmu.2023.1089514 (cited by Allergology and Ecology Laboratory, University of Burdwan); PubMed 8613548 (cited by Allergology and Ecology Laboratory, University of Burdwan and OMIM); PubMed 7929844 (cited by Allergology and Ecology Laboratory, University of Burdwan and OMIM); PubMed 8428006 (cited by Allergology and Ecology Laboratory, University of Burdwan and OMIM); PubMed 2955539 (cited by Allergology and Ecology Laboratory, University of Burdwan and OMIM).